The following is an entry in ClinVar:

ClinVar aggregate classification (germline): Conflicting classifications of pathogenicity. Review status: criteria provided, conflicting classifications (1 of 4 stars). 6 submissions from 6 submitters: Uncertain significance (4); Likely benign (2). Last evaluated 2025-10-28.

Conditions:
Dilated cardiomyopathy 1G (CMD1G). Identifiers: Orphanet 154, MedGen C1858763, MONDO:0011400, OMIM 604145.
Autosomal recessive limb-girdle muscular dystrophy type 2J (LGMDR10). Also called: Limb-girdle muscular dystrophy, type 2J; MUSCULAR DYSTROPHY, LIMB-GIRDLE, AUTOSOMAL RECESSIVE 10. Identifiers: Orphanet 140922, MedGen C1837342, MONDO:0012127, OMIM 608807.
TTN-related disorder. Also called: TTN-related condition; TTN-related disease; TTN-related disorders.
Cardiovascular phenotype. Identifiers: MedGen CN230736.

Allele frequency attached by ClinVar (database versions not stated): gnomAD 0.00003; gnomAD exomes 0.00004 and 0.00002; TOPMed 0.00005; ExAC 0.00002.
gnomAD v4.1: 43 of 1,613,744 alleles (0.0027%); highest among the groups gnomAD compares: African/African-American, 0.023%; no homozygotes.

Submissions (6):

PreventionGenetics, part of Exact Sciences
Classification: Uncertain significance for TTN-related condition. Last evaluated: 2025-10-28. Review status: criteria provided, single submitter. Criteria: ACMG Guidelines, 2015. Collection method: clinical testing. Allele origin: germline.
Comment: The TTN c.93182G>A variant is predicted to result in the amino acid substitution p.Arg31061His. To our knowledge, this variant has not been reported in the literature. This variant is reported in 0.021% of alleles in individuals of African descent in gnomAD. At this time, the clinical significance of this variant is uncertain due to the absence of conclusive functional and genetic evidence.

Athena Diagnostics
Classification: Uncertain significance. Last evaluated: 2025-09-25. Review status: criteria provided, single submitter. Criteria: Athena Diagnostics Criteria. Collection method: clinical testing. Allele origin: unknown.
Comment: Available data are insufficient to determine the clinical significance of the variant at this time. The frequency of this variant in the general population is uninformative in assessment of its pathogenicity. Computational tools disagree on the variant's effect on normal protein function.

Ambry Genetics
Classification: Likely benign for Cardiovascular phenotype. Last evaluated: 2020-08-31. Review status: criteria provided, single submitter. Criteria: Ambry Variant Classification Scheme 2023. Collection method: clinical testing. Allele origin: germline.

GeneDx
Classification: Likely benign. Last evaluated: 2020-02-10. Review status: criteria provided, single submitter. Criteria: GeneDx Variant Classification Process June 2021. Collection method: clinical testing. Allele origin: germline. Affected: yes.

Labcorp Genetics (formerly Invitae), Labcorp
Classification: Uncertain significance for Dilated cardiomyopathy 1G; Autosomal recessive limb-girdle muscular dystrophy type 2J. Last evaluated: 2018-01-05. Review status: criteria provided, single submitter. Criteria: Invitae Variant Classification Sherloc (09022015). Collection method: clinical testing. Allele origin: germline.

Laboratory for Molecular Medicine, Mass General Brigham Personalized Medicine
Classification: Uncertain significance. Last evaluated: 2014-02-17. Review status: criteria provided, single submitter. Criteria: LMM Criteria. Collection method: clinical testing. Allele origin: germline. Observed: 1 variant allele.
Comment: The Arg28493His variant in TTN has not been previously reported in individuals w ith cardiomyopathy or in large population studies. Computational analyses (bioch emical amino acid properties, conservation, AlignGVGD, PolyPhen2, and SIFT) do n ot provide strong support for or against an impact to the protein. Additional in formation is needed to fully assess the clinical significance of this variant.

Literature cited by the submitters: PubMed 31983221 (cited by Athena Diagnostics).

NM_001267550.2(TTN):c.93182G>A (p.Arg31061His)

Genes: TTN (titin; minus strand), TTN-AS1 (TTN antisense RNA 1; plus strand). Cytogenetic location: 2q31.2.
Variant type: single nucleotide variant.
Coding change: c.93182G>A on transcript NM_001267550.2 (MANE Select); coding-DNA position 93182, G replaced by A.
Protein change: p.Arg31061His; replaces arginine 31061 with histidine.
Molecular consequence: missense variant.
Genome position (GRCh38, 1-based): chr2:178,548,444, C>T on the plus strand (G>A on the coding strand, the complement: TTN is on the minus strand). VCF-style: chr2-178548444-C-T. GRCh37 (hg19) VCF-style: chr2-179413171-C-T.
Other names: p.R29420H:CGT>CAT; c.65987G>A, p.Arg21996His (NM_003319.4); c.66362G>A, p.Arg22121His (NM_133432.3); c.66563G>A, p.Arg22188His (NM_133437.4); c.93182G>A (NM_001267550.1); c.88259G>A, p.Arg29420His (NM_001256850.1); c.85478G>A, p.Arg28493His (NM_133378.4); short protein forms R28493H, R31061H, R29420H, R22121H, R21996H, R22188H.
Identifiers: ClinVar variation 179523 (VCV000179523.14), dbSNP rs727504923, ClinGen allele CA184587.